The following is an entry in ClinVar:

ClinVar aggregate classification (germline): Pathogenic (1 of 4 stars; one submission).

Conditions:
Osteogenesis imperfecta type I (OI1). Also called: OI, TYPE I; OSTEOGENESIS IMPERFECTA TARDA; OSTEOGENESIS IMPERFECTA WITH BLUE SCLERAE; Osteogenesis imperfecta type 1; Classic Non-deforming Osteogenesis Imperfecta with Blue Sclerae; Lobstein's Disease. Identifiers: Orphanet 216796, Orphanet 666, MedGen C0023931, MONDO:0008146, OMIM 166200. Disease mechanism: loss of function.

Submission:

Labcorp Genetics (formerly Invitae), Labcorp
Classification: Pathogenic for Osteogenesis imperfecta type I. Last evaluated: 2025-03-16. Review status: criteria provided, single submitter. Criteria: Invitae Variant Classification Sherloc (09022015). Collection method: clinical testing. Allele origin: germline.
Comment: This sequence change affects a donor splice site in intron 48 of the COL1A1 gene. It is expected to disrupt RNA splicing. Variants that disrupt the donor or acceptor splice site typically lead to a loss of protein function (PMID: 16199547), and loss-of-function variants in COL1A1 are known to be pathogenic (PMID: 7942841, 9295084, 9443882). This variant is not present in population databases (gnomAD no frequency). Disruption of this splice site has been observed in individuals with multiple fractures (PMID: 25963598; internal data). Algorithms developed to predict the effect of sequence changes on RNA splicing suggest that this variant may disrupt the consensus splice site. For these reasons, this variant has been classified as Pathogenic.

Literature cited by the submitters: PubMed 16199547; PubMed 7942841; PubMed 9295084; PubMed 9443882; PubMed 25963598.

NM_000088.4(COL1A1):c.3814+2T>G

Gene: COL1A1 (collagen type I alpha 1 chain; minus strand). Cytogenetic location: 17q21.33.
Variant type: single nucleotide variant.
Coding change: c.3814+2T>G on transcript NM_000088.4 (MANE Select); the canonical splice donor site of the intron after coding-DNA position 3814, T replaced by G.
Molecular consequence: splice donor variant.
Genome position (GRCh38, 1-based): chr17:50,186,638, A>C on the plus strand (T>G on the coding strand, the complement: COL1A1 is on the minus strand). VCF-style: chr17-50186638-A-C. GRCh37 (hg19) VCF-style: chr17-48263999-A-C.
Identifiers: ClinVar variation 4710398 (VCV004710398.1).